The following is an entry in ClinVar:

ClinVar aggregate classification (germline): Uncertain significance. Review status: criteria provided, single submitter (1 of 4 stars). 2 submissions from 2 submitters: Uncertain significance (1). 1 of the submissions does not count toward it. Last evaluated 2025-12-22.

Conditions:
SLC1A2-related disorder. Also called: SLC1A2-related condition.

Allele frequency attached by ClinVar (database versions not stated): TOPMed below 0.00001; gnomAD 0.00001; gnomAD exomes 0.00001.
gnomAD v4.1: 4 of 1,613,604 alleles (0.00025%); highest among the groups gnomAD compares: African/African-American, 0.0013%; no homozygotes.

Submissions (2):

Labcorp Genetics (formerly Invitae), Labcorp
Classification: Uncertain significance. Last evaluated: 2025-12-22. Review status: criteria provided, single submitter. Criteria: Invitae Variant Classification Sherloc (09022015). Collection method: clinical testing. Allele origin: germline.
Comment: This sequence change replaces valine, which is neutral and non-polar, with glycine, which is neutral and non-polar, at codon 418 of the SLC1A2 protein (p.Val418Gly). This variant is present in population databases (no rsID available, gnomAD 0.004%). This variant has not been reported in the literature in individuals affected with SLC1A2-related conditions. ClinVar contains an entry for this variant (Variation ID: 2145396). Invitae Evidence Modeling of protein sequence and biophysical properties (such as structural, functional, and spatial information, amino acid conservation, physicochemical variation, residue mobility, and thermodynamic stability) indicates that this missense variant is not expected to disrupt SLC1A2 protein function with a negative predictive value of 80%. In summary, the available evidence is currently insufficient to determine the role of this variant in disease. Therefore, it has been classified as a Variant of Uncertain Significance.

PreventionGenetics, part of Exact Sciences
Classification: Uncertain significance for SLC1A2-related condition. Last evaluated: 2024-07-31. Review status: no assertion criteria provided. Collection method: clinical testing. Allele origin: germline. Not counted in ClinVar's aggregate classification.
Comment: The SLC1A2 c.1253T>G variant is predicted to result in the amino acid substitution p.Val418Gly. To our knowledge, this variant has not been reported in the literature. This variant is reported in 0.0040% of alleles in individuals of African descent in gnomAD. At this time, the clinical significance of this variant is uncertain due to the absence of conclusive functional and genetic evidence.

NM_004171.4(SLC1A2):c.1253T>G (p.Val418Gly)

Gene: SLC1A2 (solute carrier family 1 member 2; minus strand). Cytogenetic location: 11p13.
Variant type: single nucleotide variant.
Coding change: c.1253T>G on transcript NM_004171.4 (MANE Select); coding-DNA position 1253, T replaced by G.
Protein change: p.Val418Gly; replaces valine 418 with glycine.
Molecular consequence: missense variant.
Genome position (GRCh38, 1-based): chr11:35,286,790, A>C on the plus strand (T>G on the coding strand, the complement: SLC1A2 is on the minus strand). VCF-style: chr11-35286790-A-C. GRCh37 (hg19) VCF-style: chr11-35308337-A-C.
Other names: c.1226T>G, p.Val409Gly (NM_001195728.3, NM_001252652.2); c.1253T>G (NM_004171.3); short protein forms V409G, V418G.
Identifiers: ClinVar variation 2145396 (VCV002145396.5), dbSNP rs1318827813, ClinGen allele CA380122643.
Genomic context (GRCh38, chr11:35,286,790, plus strand): 5'-TTTTGTGTTTTACCCCACCCTTCTCACCTTACAGTCACAATCTGTCCTCCATCCAGGACA[A>C]CACCATTCATTTGGGCTATAAAGATGGCGGCTACCGCTTCATAAAGGGCTGTACCATCCA-3'
Protein context (NP_004162.2, residues 408-428): AAIFIAQMNG[Val418Gly]VLDGGQIVTV